The following is an entry in ClinVar:

NM_001385641.1(SAMD11):c.2425_2446del (p.Ser809fs)

Gene: SAMD11 (sterile alpha motif domain containing 11; plus strand). Cytogenetic location: 1p36.33.
Variant type: Deletion.
Coding change: c.2425_2446del on transcript NM_001385641.1 (MANE Select); coding-DNA positions 2425 to 2446, 22 bases deleted (TCCCCCTATGGAGGGGGCCACG).
Protein change: p.Ser809fs; shifts the reading frame from serine 809.
Molecular consequence: frameshift variant.
Genome position (GRCh38, 1-based): chr1:944,043-944,064, TCCCCCTATGGAGGGGGCCACG deleted; deleting any 22 consecutive bases within chr1:944,036-944,064 gives the same sequence; the c. name uses the placement nearest the transcript's 3' end. VCF-style (leftmost placement, unchanged base first): chr1-944035-CGGCCACGTCCCCCTATGGAGGG-C. GRCh37 (hg19) VCF-style: chr1-879415-CGGCCACGTCCCCCTATGGAGGG-C.
Other names: c.2428_2449del, p.Ser810fs (NM_001385640.1); c.1936_1957del, p.Ser646fs (NM_152486.4); short protein forms S646fs, S809fs, S810fs.
Identifiers: ClinVar variation 1005006 (VCV001005006.7), dbSNP rs751719239, ClinGen allele CA503394.

ClinVar aggregate classification (germline): Uncertain significance. Review status: criteria provided, multiple submitters, no conflicts (2 of 4 stars). 2 submissions from 2 submitters: Uncertain significance (2). Last evaluated 2024-10-29.

Submissions (2):

Labcorp Genetics (formerly Invitae), Labcorp
Classification: Uncertain significance. Last evaluated: 2024-10-29. Review status: criteria provided, single submitter. Criteria: Invitae Variant Classification Sherloc (09022015). Collection method: clinical testing. Allele origin: germline.
Comment: This sequence change results in a frameshift in the SAMD11 gene (p.Ser646Profs*69). While this is not anticipated to result in nonsense mediated decay, it is expected to disrupt the last 36 amino acid(s) of the SAMD11 protein and extend the protein by 32 additional amino acid residues. This variant is present in population databases (rs751719239, gnomAD 0.002%). This variant has not been reported in the literature in individuals affected with SAMD11-related conditions. ClinVar contains an entry for this variant (Variation ID: 1005006). In summary, the available evidence is currently insufficient to determine the role of this variant in disease. Therefore, it has been classified as a Variant of Uncertain Significance.

Blueprint Genetics
Classification: Uncertain significance. Last evaluated: 2024-05-10. Review status: criteria provided, single submitter. Criteria: ACMG Guidelines, 2015. Collection method: clinical testing. Allele origin: germline.